The following is an entry in ClinVar:

ClinVar aggregate classification (germline): Likely benign (1 of 4 stars; one submission).

Allele frequency attached by ClinVar (database versions not stated): 1000 Genomes Project 0.00040; TOPMed 0.00058; 1000 Genomes Project 30x 0.00062; ESP Exome Variant Server 0.00069; gnomAD 0.00072; ExAC 0.00138.
gnomAD v4.1: 1,405 of 1,613,478 alleles (0.087%); highest among the groups gnomAD compares: South Asian, 0.6%; 8 homozygotes.

Submission:

CeGaT Center for Human Genetics Tuebingen
Classification: Likely benign. Last evaluated: 2023-03-01. Review status: criteria provided, single submitter. Criteria: CeGaT Center For Human Genetics Tuebingen Variant Classification Criteria Version 2. Collection method: clinical testing. Allele origin: germline. Affected: yes. Observed: 2 variant alleles.
Comment: RHBDF1: BS2

NM_022450.5(RHBDF1):c.2266C>A (p.Leu756Ile)

Gene: RHBDF1 (rhomboid 5 homolog 1; minus strand). Cytogenetic location: 16p13.3.
Variant type: single nucleotide variant.
Coding change: c.2266C>A on transcript NM_022450.5 (MANE Select); coding-DNA position 2266, C replaced by A.
Protein change: p.Leu756Ile; replaces leucine 756 with isoleucine.
Molecular consequence: missense variant.
Genome position (GRCh38, 1-based): chr16:58,642, G>T on the plus strand (C>A on the coding strand, the complement: RHBDF1 is on the minus strand). VCF-style: chr16-58642-G-T. GRCh37 (hg19) VCF-style: chr16-108641-G-T.
Other names: short protein forms L756I.
Identifiers: ClinVar variation 2645766 (VCV002645766.24), dbSNP rs148360562, ClinGen allele CA7767884.